The following is an entry in ClinVar:

ClinVar aggregate classification (germline): Benign/Likely benign. Review status: criteria provided, multiple submitters, no conflicts (2 of 4 stars). 5 submissions from 5 submitters: Benign (1); Likely benign (3). 1 of the submissions does not count toward it. Last evaluated 2026-06-15.

Conditions:
Cardiovascular phenotype. Identifiers: MedGen CN230736.
APOB-related disorder. Also called: APOB-related disorders; APOB-related condition.
Familial hypobetalipoproteinemia 1. Also called: APOB-Related Familial Hypobetalipoproteinemia; Hypobetalipoproteinemia, normotriglyceridemic; Acanthocytosis with hypobetalipoproteinemia. Identifiers: MedGen C4551990, MONDO:0014252, OMIM 615558.
Hypercholesterolemia, autosomal dominant, type B (FHCL2). Also called: APOLIPOPROTEIN B-100, FAMILIAL DEFECTIVE; APOLIPOPROTEIN B-100, FAMILIAL LIGAND-DEFECTIVE; Familial Hypercholesterolemia Type B; Hyperlipoproteinemia Type IIb; Familial hypercholesterolemia 2; APOB-Related Familial Hypercholesterolemia, Autosomal Dominant. Identifiers: MedGen C1704417, MONDO:0007751, OMIM 144010.

Allele frequency attached by ClinVar (database versions not stated): TOPMed 0.00010; ExAC 0.00011; gnomAD 0.00011 and 0.00014; gnomAD exomes 0.00016 and 0.00007; ESP Exome Variant Server 0.00008.
gnomAD v4.1: 124 of 1,614,010 alleles (0.0077%); highest among the groups gnomAD compares: Admixed American, 0.0067%; no homozygotes.

Submissions (5):

Women's Health and Genetics/Laboratory Corporation of America, LabCorp
Classification: Likely benign. Last evaluated: 2026-06-15. Review status: criteria provided, single submitter. Criteria: LabCorp Variant Classification Summary - May 2015. Collection method: clinical testing. Allele origin: germline.
Comment: Variant summary: APOB c.10385A>G (p.Tyr3462Cys) results in a non-conservative amino acid change in the encoded protein sequence. Algorithms developed to predict the effect of missense changes on protein structure and function all suggest that this variant is likely to be disruptive. The variant allele was found at a frequency of 0.00016 in 253350 control chromosomes. The observed variant frequency exceeds the estimated maximal expected allele frequency for disease-causing variants in APOB. c.10385A>G has been reported in the literature in an individual affected with hypertriglyceridemia (Johansen_2010). However, this report does not provide unequivocal conclusions about association of the variant with Familial Defective Apolipoprotein B-100. To our knowledge, no experimental evidence demonstrating an impact on protein function has been reported.The following publication has been ascertained in the context of this evaluation (PMID: 20657596). ClinVar contains an entry for this variant (Variation ID: 627775). Based on the evidence outlined above, the variant was classified as likely benign.

Labcorp Genetics (formerly Invitae), Labcorp
Classification: Benign for Familial hypobetalipoproteinemia 1; Hypercholesterolemia, autosomal dominant, type B. Last evaluated: 2025-12-19. Review status: criteria provided, single submitter. Criteria: Invitae Variant Classification Sherloc (09022015). Collection method: clinical testing. Allele origin: germline.

Laboratory for Molecular Medicine, Mass General Brigham Personalized Medicine
Classification: Likely benign. Last evaluated: 2021-11-09. Review status: criteria provided, single submitter. Criteria: ACMG Guidelines, 2015. Collection method: clinical testing. Allele origin: germline.
Comment: The p.Tyr3462Cys variant in APOB is classified as likely benign because it has been identified in 0.35% (35/10052) of Ashkenazi Jewish chromosomes by gnomAD. ACMG/AMP Criteria applied: BS1, BP4.

Ambry Genetics
Classification: Likely benign for Cardiovascular phenotype. Last evaluated: 2021-10-11. Review status: criteria provided, single submitter. Criteria: Ambry Variant Classification Scheme 2023. Collection method: clinical testing. Allele origin: germline.

PreventionGenetics, part of Exact Sciences
Classification: Likely benign for APOB-related condition. Last evaluated: 2020-05-22. Review status: no assertion criteria provided. Collection method: clinical testing. Allele origin: germline. Not counted in ClinVar's aggregate classification.
Comment: This variant is classified as likely benign based on ACMG/AMP sequence variant interpretation guidelines (Richards et al. 2015 PMID: 25741868, with internal and published modifications).

Literature cited by the submitters: PubMed 20657596 (cited by Women's Health and Genetics/Laboratory Corporation of America, LabCorp and Ambry Genetics); PubMed 33418990 (cited by Ambry Genetics).

NM_000384.3(APOB):c.10385A>G (p.Tyr3462Cys)

Gene: APOB (apolipoprotein B; minus strand). Cytogenetic location: 2p24.1.
Variant type: single nucleotide variant.
Coding change: c.10385A>G on transcript NM_000384.3 (MANE Select); coding-DNA position 10385, A replaced by G.
Protein change: p.Tyr3462Cys; replaces tyrosine 3462 with cysteine.
Molecular consequence: missense variant.
Genome position (GRCh38, 1-based): chr2:21,006,483, T>C on the plus strand (A>G on the coding strand, the complement: APOB is on the minus strand). VCF-style: chr2-21006483-T-C. GRCh37 (hg19) VCF-style: chr2-21229355-T-C.
Other names: short protein forms Y3462C.
Identifiers: ClinVar variation 627775 (VCV000627775.22), dbSNP rs200305144, ClinGen allele CA043373.